The following is an entry in ClinVar:

ClinVar aggregate classification (germline): Likely pathogenic (1 of 4 stars; one submission).

Conditions:
Weiss-Kruszka syndrome. Also called: Metopic ridging-ptosis-facial dysmorphism syndrome. Identifiers: Orphanet 502430, MedGen C5568107, MONDO:0032836, OMIM 618619.

Submission:

Neuberg Centre For Genomic Medicine, NCGM
Classification: Likely pathogenic for Weiss-Kruszka syndrome. Last evaluated: 2023-05-20. Review status: criteria provided, single submitter. Criteria: ACMG Guidelines, 2015. Collection method: clinical testing. Allele origin: germline. Inheritance: Autosomal dominant inheritance. Affected: yes.
Comment: The observed frameshift c.3287_3306del (p.Met1096ThrfsTer10) variant in ZNF462 has not been reported previously as a pathogenic variant nor as a benign variant, to our knowledge. The p.Met1096ThrfsTer10 variant is absent in gnomAD Exomes database. This variant has not been submitted to the ClinVar database. This variant causes a frameshift starting with codon Methionine 1096, changes this amino acid to Threonine residue, and creates a premature Stop codon at position 10 of the new reading frame, denoted p.Met1096ThrfsTer10. This variant is predicted to cause loss of normal protein function through protein truncation. Loss of function variants have been previously reported to be disease causing. For these reasons, this variant has been classified as Likely Pathogenic.

NM_021224.6(ZNF462):c.3287_3306del (p.Met1096fs)

Gene: ZNF462 (zinc finger protein 462; plus strand). Cytogenetic location: 9q31.2.
Variant type: Deletion.
Coding change: c.3287_3306del on transcript NM_021224.6 (MANE Select); coding-DNA positions 3287 to 3306, 20 bases deleted (TGGGTTCCCCACCCCCCCCA).
Protein change: p.Met1096fs; shifts the reading frame from methionine 1096.
Molecular consequence: frameshift variant. On other transcripts: intron variant (1).
Genome position (GRCh38, 1-based): chr9:106,927,199-106,927,218, TGGGTTCCCCACCCCCCCCA deleted; deleting any 20 consecutive bases within chr9:106,927,197-106,927,218 gives the same sequence; the c. name uses the placement nearest the transcript's 3' end. VCF-style (leftmost placement, unchanged base first): chr9-106927196-ACATGGGTTCCCCACCCCCCC-A. GRCh37 (hg19) VCF-style: chr9-109689477-ACATGGGTTCCCCACCCCCCC-A.
Other names: c.3252+35_3252+54del (NM_001347997.2); short protein forms M1096fs.
Identifiers: ClinVar variation 3341478 (VCV003341478.1).